The following is an entry in ClinVar:

NM_024408.4(NOTCH2):c.7405G>A (p.Val2469Ile)

Gene: NOTCH2 (notch receptor 2; minus strand). Cytogenetic location: 1p12.
Variant type: single nucleotide variant.
Coding change: c.7405G>A on transcript NM_024408.4 (MANE Select); coding-DNA position 7405, G replaced by A.
Protein change: p.Val2469Ile; replaces valine 2469 with isoleucine.
Molecular consequence: missense variant.
Genome position (GRCh38, 1-based): chr1:119,915,317, C>T on the plus strand (G>A on the coding strand, the complement: NOTCH2 is on the minus strand). VCF-style: chr1-119915317-C-T. GRCh37 (hg19) VCF-style: chr1-120457940-C-T.
Other names: short protein forms V2469I.
Identifiers: ClinVar variation 2118969 (VCV002118969.4), dbSNP rs1187087183, ClinGen allele CA341871121.

ClinVar aggregate classification (germline): Uncertain significance (1 of 4 stars; one submission).

Conditions:
Hajdu-Cheney syndrome (HJCYS). Also called: Acroosteolysis dominant type; SERPENTINE FIBULA-POLYCYSTIC KIDNEY SYNDROME; ACROOSTEOLYSIS WITH OSTEOPOROSIS AND CHANGES IN SKULL AND MANDIBLE. Identifiers: Orphanet 955, MedGen C0917715, MONDO:0007057, OMIM 102500.

Submission:

Labcorp Genetics (formerly Invitae), Labcorp
Classification: Uncertain significance for Hajdu-Cheney syndrome. Last evaluated: 2025-08-27. Review status: criteria provided, single submitter. Criteria: Invitae Variant Classification Sherloc (09022015). Collection method: clinical testing. Allele origin: germline.
Comment: This sequence change replaces valine, which is neutral and non-polar, with isoleucine, which is neutral and non-polar, at codon 2469 of the NOTCH2 protein (p.Val2469Ile). This variant is not present in population databases (gnomAD no frequency). This variant has not been reported in the literature in individuals affected with NOTCH2-related conditions. ClinVar contains an entry for this variant (Variation ID: 2118969). Invitae Evidence Modeling of protein sequence and biophysical properties (such as structural, functional, and spatial information, amino acid conservation, physicochemical variation, residue mobility, and thermodynamic stability) indicates that this missense variant is not expected to disrupt NOTCH2 protein function with a negative predictive value of 95%. In summary, the available evidence is currently insufficient to determine the role of this variant in disease. Therefore, it has been classified as a Variant of Uncertain Significance.